The following is an entry in ClinVar:

ClinVar aggregate classification (germline): Benign (1 of 4 stars; one submission).

Submission:

GeneDx
Classification: Benign. Last evaluated: 2021-10-11. Review status: criteria provided, single submitter. Criteria: GeneDx Variant Classification Process June 2021. Collection method: clinical testing. Allele origin: germline. Affected: yes.
Comment: This variant is associated with the following publications: (PMID: 21329514)

NM_017680.6(ASPN):c.112_152= (p.Asp38_Glu51=)

Genes: ASPN (asporin; minus strand), CENPP (centromere protein P; plus strand). Cytogenetic location: 9q22.31.
Variant type: Microsatellite.
Coding change: c.112_152= on transcript NM_017680.6 (MANE Select); coding-DNA positions 112 to 152, no change from the reference sequence.
Protein change: p.Asp38_Glu51=.
Molecular consequence: no sequence alteration. On other transcripts: intron variant (2).
Genome position: GRCh38 VCF-style: chr9-92474742-CTCA-C. GRCh37 (hg19) VCF-style: chr9-95237024-CTCA-C.
Other names: c.112_152=, p.Asp38_Glu51= (NM_001193335.3); c.228+94884TCA[13] (NM_001286969.1); c.564+94884TCA[13] (NM_001012267.3).
Identifiers: ClinVar variation 1302755 (VCV001302755.4), dbSNP rs3078372, ClinGen allele CA196298927.
Genomic context (GRCh38, chr9:92,474,742, plus strand): 5'-AAACAGATCAAATGGAAAAAAATGGCTTCTTGGCTCTCTTGTTGGAAAAAGAGAGTTGTC[CTCA>C]TCATCATCATCATCATCATCATCATCATCATCATCATCATCTGTGTCTTCCATATCCTTC-3'